The following is an entry in ClinVar:

NM_012434.5(SLC17A5):c.542C>G (p.Ala181Gly)

Gene: SLC17A5 (solute carrier family 17 member 5; minus strand). Cytogenetic location: 6q13.
Variant type: single nucleotide variant.
Coding change: c.542C>G on transcript NM_012434.5 (MANE Select); coding-DNA position 542, C replaced by G.
Protein change: p.Ala181Gly; replaces alanine 181 with glycine.
Molecular consequence: missense variant.
Genome position (GRCh38, 1-based): chr6:73,638,483, G>C on the plus strand (C>G on the coding strand, the complement: SLC17A5 is on the minus strand). VCF-style: chr6-73638483-G-C. GRCh37 (hg19) VCF-style: chr6-74348206-G-C.
Other names: c.311C>G, p.Ala104Gly (NM_001382629.1, NM_001382636.1); c.542C>G, p.Ala181Gly (NM_001382630.1, NM_001382632.1, NM_001382633.1 and 2 more transcripts); c.563C>G, p.Ala188Gly (NM_001382631.1); short protein forms A181G, A104G, A188G.
Identifiers: ClinVar variation 1505144 (VCV001505144.5), dbSNP rs1303660578, ClinGen allele CA364716883.

ClinVar aggregate classification (germline): Uncertain significance (1 of 4 stars; one submission).

Conditions:
Salla disease (SD). Also called: Sialuria, Finnish type; N-acetylneuraminic acid (NANA) storage disease (NSD); Infantile sialic acid storage disorder (ISSD); Less Severe FSASD (Salla Disease). Identifiers: Orphanet 309334, Orphanet 834, MedGen C1096903, MONDO:0011449, OMIM 604369.

Allele frequency attached by ClinVar (database versions not stated): gnomAD 0.00001.
gnomAD v4.1: 1 of 1,613,444 alleles (0.000062%); highest among the groups gnomAD compares: East Asian, 0.0022%; no homozygotes.

Submission:

Labcorp Genetics (formerly Invitae), Labcorp
Classification: Uncertain significance for Salla disease. Last evaluated: 2021-08-14. Review status: criteria provided, single submitter. Criteria: Invitae Variant Classification Sherloc (09022015). Collection method: clinical testing. Allele origin: germline.
Comment: This sequence change replaces alanine with glycine at codon 181 of the SLC17A5 protein (p.Ala181Gly). The alanine residue is highly conserved and there is a small physicochemical difference between alanine and glycine. This variant is not present in population databases (ExAC no frequency). This variant has not been reported in the literature in individuals affected with SLC17A5-related conditions. Algorithms developed to predict the effect of missense changes on protein structure and function (SIFT, PolyPhen-2, Align-GVGD) all suggest that this variant is likely to be disruptive. In summary, the available evidence is currently insufficient to determine the role of this variant in disease. Therefore, it has been classified as a Variant of Uncertain Significance.